The following is an entry in ClinVar:

ClinVar aggregate classification (germline): Benign/Likely benign. Review status: criteria provided, multiple submitters, no conflicts (2 of 4 stars). 2 submissions from 2 submitters: Benign (1); Likely benign (1). Last evaluated 2022-10-13.

Conditions:
Cerebral arteriopathy, autosomal dominant, with subcortical infarcts and leukoencephalopathy, type 1 (CADASIL1). Also called: CASIL; Cerebral arteriopathy with subcortical infarcts and leukoencephalopathy 1; CADASIL 1; DEMENTIA, HEREDITARY MULTIINFARCT TYPE. Identifiers: Orphanet 136, MedGen C4551768, MONDO:0000914, OMIM 125310.

Allele frequency attached by ClinVar (database versions not stated): gnomAD 0.00002 and 0.00004; TOPMed 0.00002; gnomAD exomes 0.00007 and 0.00010; ExAC 0.00013; 1000 Genomes Project 30x 0.00016; 1000 Genomes Project 0.00020.
gnomAD v4.1: 102 of 1,611,168 alleles (0.0063%); highest among the groups gnomAD compares: South Asian, 0.059%; no homozygotes.

Submissions (2):

Labcorp Genetics (formerly Invitae), Labcorp
Classification: Likely benign. Last evaluated: 2022-10-13. Review status: criteria provided, single submitter. Criteria: Invitae Variant Classification Sherloc (09022015). Collection method: clinical testing. Allele origin: germline.

Illumina Laboratory Services, Illumina
Classification: Benign for Cerebral arteriopathy, autosomal dominant, with subcortical infarcts and leukoencephalopathy, type 1. Last evaluated: 2018-01-13. Review status: criteria provided, single submitter. Criteria: ICSL Variant Classification Criteria 13 December 2019. Collection method: clinical testing. Allele origin: germline.
Comment: This variant was observed in the ICSL laboratory as part of a predisposition screen in an ostensibly healthy population. It had not been previously curated by ICSL or reported in the Human Gene Mutation Database (HGMD: prior to June 1st, 2018), and was therefore a candidate for classification through an automated scoring system. Utilizing variant allele frequency, disease prevalence and penetrance estimates, and inheritance mode, an automated score was calculated to assess if this variant is too frequent to cause the disease. Based on the score and internal cut-off values, a variant classified as benign is not then subjected to further curation. The score for this variant resulted in a classification of benign for this disease.

NM_000435.3(NOTCH3):c.3461-15C>T

Genes: MIR6795 (microRNA 6795; minus strand), NOTCH3 (notch receptor 3; minus strand). Cytogenetic location: 19p13.12.
Variant type: single nucleotide variant.
Coding change: c.3461-15C>T on transcript NM_000435.3 (MANE Select); 15 bases into the intron before coding-DNA position 3461, C replaced by T.
Molecular consequence: intron variant. On other transcripts: non-coding transcript variant (1).
Genome position (GRCh38, 1-based): chr19:15,179,297, G>A on the plus strand (C>T on the coding strand, the complement: NOTCH3 is on the minus strand). VCF-style: chr19-15179297-G-A. GRCh37 (hg19) VCF-style: chr19-15290108-G-A.
Identifiers: ClinVar variation 328396 (VCV000328396.9), dbSNP rs564737009, ClinGen allele CA9263074.